The following is an entry in ClinVar:

ClinVar aggregate classification (germline): Likely benign (0 of 4 stars; one submission).

Conditions:
MEG3-related disorder. Also called: MEG3-related condition.

Submission:

PreventionGenetics, part of Exact Sciences
Classification: Likely benign for MEG3-related condition. Last evaluated: 2022-06-27. Review status: no assertion criteria provided. Collection method: clinical testing. Allele origin: germline.
Comment: This variant is classified as likely benign based on ACMG/AMP sequence variant interpretation guidelines (Richards et al. 2015 PMID: 25741868, with internal and published modifications).

NR_046473.1(MEG3):n.2250_2251del

Gene: MEG3 (maternally expressed 3; plus strand). Cytogenetic location: 14q32.2.
Variant type: Deletion.
Molecular consequence: non-coding transcript variant (on NR_046473.1).
Genome position: GRCh38 VCF-style: chr14-100846864-AAG-A. GRCh37 (hg19) VCF-style: chr14-101313201-AAG-A.
Identifiers: ClinVar variation 3053082 (VCV003053082.2), dbSNP rs370056034, ClinGen allele CA266868405.